The following is an entry in ClinVar:

NM_000273.3(GPR143):c.876G>T (p.Trp292Cys)

Gene: GPR143 (G protein-coupled receptor 143; minus strand). Cytogenetic location: Xp22.2.
Variant type: single nucleotide variant.
Coding change: c.876G>T on transcript NM_000273.3 (MANE Select); coding-DNA position 876, G replaced by T.
Protein change: p.Trp292Cys; replaces tryptophan 292 with cysteine.
Molecular consequence: missense variant.
Genome position (GRCh38, 1-based): chrX:9,741,347, C>A on the plus strand (G>T on the coding strand, the complement: GPR143 is on the minus strand). VCF-style: chrX-9741347-C-A. GRCh37 (hg19) VCF-style: chrX-9709387-C-A.
Other names: short protein forms W292C.
Identifiers: ClinVar variation 98649 (VCV000098649.4), dbSNP rs62635046, ClinGen allele CA226204.

ClinVar aggregate classification (germline): Likely pathogenic. Review status: criteria provided, single submitter (1 of 4 stars). 2 submissions from 2 submitters: Likely pathogenic (1). 1 of the submissions does not count toward it. Last evaluated 2023-07-07.

Submissions (2):

Labcorp Genetics (formerly Invitae), Labcorp
Classification: Likely pathogenic. Last evaluated: 2023-07-07. Review status: criteria provided, single submitter. Criteria: Invitae Variant Classification Sherloc (09022015). Collection method: clinical testing. Allele origin: germline.
Comment: In summary, the currently available evidence indicates that the variant is pathogenic, but additional data are needed to prove that conclusively. Therefore, this variant has been classified as Likely Pathogenic. This sequence change replaces tryptophan, which is neutral and slightly polar, with cysteine, which is neutral and slightly polar, at codon 292 of the GPR143 protein (p.Trp292Cys). This variant is not present in population databases (gnomAD no frequency). This missense change has been observed in individual(s) with ocular albinism (PMID: 11214907; Invitae). ClinVar contains an entry for this variant (Variation ID: 98649). Advanced modeling of protein sequence and biophysical properties (such as structural, functional, and spatial information, amino acid conservation, physicochemical variation, residue mobility, and thermodynamic stability) performed at Invitae indicates that this missense variant is expected to disrupt GPR143 protein function. This variant disrupts the p.Trp292 amino acid residue in GPR143. Other variant(s) that disrupt this residue have been determined to be pathogenic (PMID: 8634705, 11214907, 26785811). This suggests that this residue is clinically significant, and that variants that disrupt this residue are likely to be disease-causing.

Retina International
No classification provided. Review status: no classification provided. Collection method: not provided. Allele origin: not provided. Not counted in ClinVar's aggregate classification.

Literature cited by the submitters: PubMed 11214907 (cited by Labcorp Genetics (formerly Invitae), Labcorp); PubMed 8634705 (cited by Labcorp Genetics (formerly Invitae), Labcorp); PubMed 26785811 (cited by Labcorp Genetics (formerly Invitae), Labcorp).